The following is an entry in ClinVar:

ClinVar aggregate classification (germline): Benign/Likely benign. Review status: criteria provided, multiple submitters, no conflicts (2 of 4 stars). 9 submissions from 9 submitters: Benign (5); Likely benign (4). Last evaluated 2026-06-01.

Conditions:
Fanconi anemia (FA). Also called: Fanconi's anemia. Identifiers: Orphanet 84, MedGen C0015625, MeSH D005199, MONDO:0019391.
Fanconi anemia complementation group I (FANCI). Also called: FANCI-Related Fanconi Anemia. Identifiers: Orphanet 84, MedGen C1836861, MONDO:0012186, OMIM 609053.

Allele frequency attached by ClinVar (database versions not stated): gnomAD 0.00063 and 0.00080; TOPMed 0.00083; ExAC 0.00162; gnomAD exomes 0.00174 and 0.00056; 1000 Genomes Project 30x 0.00234; 1000 Genomes Project 0.00280; ESP Exome Variant Server 0.00015.
gnomAD v4.1: 958 of 1,613,630 alleles (0.059%); highest among the groups gnomAD compares: East Asian, 1.2%; 4 homozygotes.

Submissions (9):

CeGaT Center for Human Genetics Tuebingen
Classification: Likely benign. Last evaluated: 2026-06-01. Review status: criteria provided, single submitter. Criteria: CeGaT Center For Human Genetics Tuebingen Variant Classification Criteria Version 2. Collection method: clinical testing. Allele origin: germline. Affected: yes. Observed: 7 variant alleles.
Comment: FANCI: BS1

Labcorp Genetics (formerly Invitae), Labcorp
Classification: Benign for Fanconi anemia. Last evaluated: 2026-02-02. Review status: criteria provided, single submitter. Criteria: Invitae Variant Classification Sherloc (09022015). Collection method: clinical testing. Allele origin: germline.

Blueprint Genetics
Classification: Likely benign. Last evaluated: 2024-11-19. Review status: criteria provided, single submitter. Criteria: ACMG Guidelines, 2015. Collection method: clinical testing. Allele origin: germline.

KCCC/NGS Laboratory, Kuwait Cancer Control Center
Classification: Benign for Fanconi anemia complementation group I. Last evaluated: 2023-07-07. Review status: criteria provided, single submitter. Criteria: ACMG Guidelines, 2015. Collection method: clinical testing. Allele origin: germline. Affected: yes.

Women's Health and Genetics/Laboratory Corporation of America, LabCorp
Classification: Likely benign. Last evaluated: 2021-12-10. Review status: criteria provided, single submitter. Criteria: LabCorp Variant Classification Summary - May 2015. Collection method: clinical testing. Allele origin: germline.

Sema4
Classification: Benign for Fanconi anemia. Last evaluated: 2021-07-13. Review status: criteria provided, single submitter. Criteria: Sema4 Curation Guidelines. Collection method: curation. Allele origin: germline.

Genetic Services Laboratory, University of Chicago
Classification: Benign. Last evaluated: 2018-11-08. Review status: criteria provided, single submitter. Criteria: ACMG Guidelines, 2015. Collection method: clinical testing. Allele origin: germline. Affected: no.

Illumina Laboratory Services, Illumina
Classification: Benign for Fanconi anemia complementation group I. Last evaluated: 2017-05-12. Review status: criteria provided, single submitter. Criteria: ICSL Variant Classification Criteria 13 December 2019. Collection method: clinical testing. Allele origin: germline.
Comment: This variant was observed as part of a predisposition screen in an ostensibly healthy population. A literature search was performed for the gene, cDNA change, and amino acid change (where applicable). No publications were found based on this search. Allele frequency data from public databases was too high to be consistent with this variant causing disease. Therefore, this variant is classified as benign.

Breakthrough Genomics
Classification: Likely benign. Review status: criteria provided, single submitter. Criteria: ACMG Guidelines, 2015. Collection method: not provided. Allele origin: germline. Inheritance: Autosomal recessive inheritance. Affected: yes.

NM_001113378.2(FANCI):c.286G>A (p.Glu96Lys)

Gene: FANCI (FA complementation group I; plus strand). Cytogenetic location: 15q26.1.
Variant type: single nucleotide variant.
Coding change: c.286G>A on transcript NM_001113378.2 (MANE Select); coding-DNA position 286, G replaced by A.
Protein change: p.Glu96Lys; replaces glutamic acid 96 with lysine.
Molecular consequence: missense variant.
Genome position (GRCh38, 1-based): chr15:89,260,841, G>A. VCF-style: chr15-89260841-G-A. GRCh37 (hg19) VCF-style: chr15-89804072-G-A.
Other names: c.7G>A, p.Glu3Lys (NM_001376910.1); c.286G>A, p.Glu96Lys (NM_001376911.1, NM_018193.3); short protein forms E96K, E3K.
Identifiers: ClinVar variation 221078 (VCV000221078.45), dbSNP rs149243307, ClinGen allele CA349390.